The following is an entry in ClinVar:

ClinVar aggregate classification (germline): Conflicting classifications of pathogenicity. Review status: criteria provided, conflicting classifications (1 of 4 stars). 11 submissions from 11 submitters: Uncertain significance (10); Likely benign (1). Last evaluated 2025-12-23.

Conditions:
Hereditary nonpolyposis colorectal neoplasms. Identifiers: MedGen C0009405, MeSH D003123.
Hereditary cancer-predisposing syndrome. Also called: Hereditary Cancer Syndrome; Tumor predisposition; Hereditary neoplastic syndrome; Neoplastic Syndromes, Hereditary. Identifiers: Orphanet 140162, MedGen C0027672, MeSH D009386, MONDO:0015356.
Lynch syndrome. Identifiers: Orphanet 144, MedGen C4552100, MONDO:0005835. Disease mechanism: loss of function.
Lynch syndrome 5 (LYNCH5). Also called: Colorectal cancer, hereditary nonpolyposis, type 5; Hereditary non-polyposis colorectal cancer, type 5. Identifiers: Orphanet 144, MedGen C1833477, MONDO:0013710, OMIM 614350. Disease mechanism: loss of function.
Endometrial carcinoma. Also called: Endometrial carcinoma, somatic. Identifiers: MedGen C0476089, MONDO:0002447, OMIM 608089, HP:0012114.

Allele frequency attached by ClinVar (database versions not stated): ExAC 0.00001; gnomAD exomes below 0.00001 and 0.00001; TOPMed 0.00001.
gnomAD v4.1: 2 of 1,613,900 alleles (0.00012%); highest among the groups gnomAD compares: Admixed American, 0.0017%; no homozygotes.

Submissions (11):

Labcorp Genetics (formerly Invitae), Labcorp
Classification: Likely benign for Hereditary nonpolyposis colorectal neoplasms. Last evaluated: 2025-12-23. Review status: criteria provided, single submitter. Criteria: Invitae Variant Classification Sherloc (09022015). Collection method: clinical testing. Allele origin: germline.

Quest Diagnostics Nichols Institute San Juan Capistrano
Classification: Uncertain significance. Last evaluated: 2025-11-07. Review status: criteria provided, single submitter. Criteria: Quest Diagnostics criteria. Collection method: clinical testing. Allele origin: unknown.
Comment: The MSH6 c.3598A>G (p.Ile1200Val) variant has not been reported in individuals with MSH6-related conditions in the published literature. However, the variant has been described in at least one individual with prostate cancer (PMID: 36922933 (2022)) and in a reportedly unaffected population dataset (PMID: 32459922 (2020)). The frequency of this variant in the general population (Genome Aggregation Database) is uninformative in the assessment of its pathogenicity. Analysis of this variant using bioinformatics tools for the prediction of the effect of amino acid changes on protein structure and function yielded conflicting predictions that this variant is benign or damaging. Based on the available information, we are unable to determine the clinical significance of this variant.

ARUP Laboratories, Molecular Genetics and Genomics, ARUP Laboratories
Classification: Uncertain significance. Last evaluated: 2025-05-06. Review status: criteria provided, single submitter. Criteria: ARUP Molecular Germline Variant Investigation Process 2024. Collection method: clinical testing. Allele origin: germline.
Comment: The MSH6 c.3598A>G; p.Ile1200Val variant (rs781627838), to our knowledge, is not reported in the medical literature but is reported in ClinVar (Variation ID: 220745). This variant is only observed on two alleles in the Genome Aggregation Database (v2.1.1), indicating it is not a common polymorphism. Computational analyses predict that this variant is neutral (HCI prior probability of pathogenicity <0.11). Due to limited information, the clinical significance of this variant is uncertain at this time.

Ambry Genetics
Classification: Uncertain significance for Hereditary cancer-predisposing syndrome. Last evaluated: 2025-01-14. Review status: criteria provided, single submitter. Criteria: Ambry Variant Classification Scheme 2023. Collection method: clinical testing. Allele origin: germline.
Comment: The p.I1200V variant (also known as c.3598A>G), located in coding exon 7 of the MSH6 gene, results from an A to G substitution at nucleotide position 3598. The isoleucine at codon 1200 is replaced by valine, an amino acid with highly similar properties. This amino acid position is highly conserved in available vertebrate species. In addition, the in silico prediction for this alteration is inconclusive. Based on the available evidence, the clinical significance of this variant remains unclear.

Dasa
Classification: Uncertain significance. Last evaluated: 2024-11-12. Review status: criteria provided, single submitter. Criteria: DASA Assertion Criteria. Collection method: clinical testing. Allele origin: germline.
Comment: NM_000179.3(MSH6):c.3598A>G (p.Ile1200Val) is a missense variant that results in the substitution of isoleucine with valine. This variant is rare in population databases. Computational prediction algorithms are consistent with a benign effect. The currently available literature and clinical evidence are not sufficient to establish a definitive association between this variant and the reported condition. Therefore, this variant is classified as a variant of uncertain significance.

All of Us Research Program, National Institutes of Health
Classification: Uncertain significance for Lynch syndrome. Last evaluated: 2024-06-09. Review status: criteria provided, single submitter. Criteria: ACMG Guidelines, 2015. Collection method: clinical testing. Allele origin: germline. Inheritance: Autosomal dominant inheritance. Observed: 1 variant allele, 1 heterozygote.
Comment: This missense variant replaces isoleucine with valine at codon 1200 of the MSH6 protein. Computational prediction is inconclusive regarding the impact of this variant on protein structure and function. To our knowledge, functional studies have not been reported for this variant. This variant has not been reported in individuals affected with MSH6-related disorders in the literature. This variant has been identified in 2/251442 chromosomes in the general population by the Genome Aggregation Database (gnomAD). The available evidence is insufficient to determine the role of this variant in disease conclusively. Therefore, this variant is classified as a Variant of Uncertain Significance.

This study involves interpretation of variants in research participants for the purpose of population health screening. Participant phenotype was not available at the time of variant classification. Additional details can be found in publication PMID: 35346344, PMCID: PMC8962531

Color Diagnostics, LLC DBA Color Health
Classification: Uncertain significance for Hereditary cancer-predisposing syndrome. Last evaluated: 2024-05-22. Review status: criteria provided, single submitter. Criteria: ACMG Guidelines, 2015. Collection method: clinical testing. Allele origin: germline.
Comment: This missense variant replaces isoleucine with valine at codon 1200 of the MSH6 protein. Computational prediction is inconclusive regarding the impact of this variant on protein structure and function. To our knowledge, functional studies have not been reported for this variant. This variant has not been reported in individuals affected with MSH6-related disorders in the literature. This variant has been identified in 2/251442 chromosomes in the general population by the Genome Aggregation Database (gnomAD). The available evidence is insufficient to determine the role of this variant in disease conclusively. Therefore, this variant is classified as a Variant of Uncertain Significance.

Baylor Genetics
Classification: Uncertain significance for Endometrial carcinoma. Last evaluated: 2024-03-18. Review status: criteria provided, single submitter. Criteria: ACMG Guidelines, 2015. Collection method: clinical testing. Allele origin: unknown.

GeneDx
Classification: Uncertain significance. Last evaluated: 2023-07-28. Review status: criteria provided, single submitter. Criteria: GeneDx Variant Classification Process June 2021. Collection method: clinical testing. Allele origin: germline.
Comment: Not observed at significant frequency in large population cohorts (gnomAD); In silico analysis supports that this missense variant does not alter protein structure/function; Has not been previously published as pathogenic or benign to our knowledge; This variant is associated with the following publications: (PMID: 17531815, 21120944)

Laboratorio de Genetica e Diagnostico Molecular, Hospital Israelita Albert Einstein
Classification: Uncertain significance for Lynch syndrome 5. Last evaluated: 2021-10-26. Review status: criteria provided, single submitter. Criteria: ACMG Guidelines, 2015. Collection method: clinical testing. Allele origin: germline. Affected: yes.
Comment: ACMG classification criteria: PM2 moderate, BP4 supporting

Mendelics
Classification: Uncertain significance for Lynch syndrome. Last evaluated: 2018-07-02. Review status: criteria provided, single submitter. Criteria: Mendelics Assertion Criteria 2017. Collection method: clinical testing. Allele origin: unknown.

Literature cited by the submitters: PubMed 32459922 (cited by Quest Diagnostics Nichols Institute San Juan Capistrano); PubMed 36922933 (cited by Quest Diagnostics Nichols Institute San Juan Capistrano).

NM_000179.3(MSH6):c.3598A>G (p.Ile1200Val)

Gene: MSH6 (mutS homolog 6; plus strand). Cytogenetic location: 2p16.3.
Variant type: single nucleotide variant.
Coding change: c.3598A>G on transcript NM_000179.3 (MANE Select); coding-DNA position 3598, A replaced by G.
Protein change: p.Ile1200Val; replaces isoleucine 1200 with valine.
Molecular consequence: missense variant.
Genome position (GRCh38, 1-based): chr2:47,805,659, A>G. VCF-style: chr2-47805659-A-G. GRCh37 (hg19) VCF-style: chr2-48032798-A-G.
Other names: c.3208A>G, p.Ile1070Val (NM_001281492.2); c.2692A>G, p.Ile898Val (NM_001281493.2, NM_001281494.2); short protein forms I1200V, I1070V, I898V.
Identifiers: ClinVar variation 220745 (VCV000220745.31), dbSNP rs781627838, ClinGen allele CA071451.